The following is an entry in ClinVar:

NM_001204375.2(NPR3):c.692C>A (p.Thr231Lys)

Genes: NPR3 (natriuretic peptide receptor 3; plus strand), LOC123493284 (Sharpr-MPRA regulatory region 158; plus strand). Cytogenetic location: 5p13.3.
Variant type: single nucleotide variant.
Coding change: c.692C>A on transcript NM_001204375.2 (MANE Select); coding-DNA position 692, C replaced by A.
Protein change: p.Thr231Lys; replaces threonine 231 with lysine.
Molecular consequence: missense variant. On other transcripts: intron variant (4).
Genome position (GRCh38, 1-based): chr5:32,712,468, C>A. VCF-style: chr5-32712468-C-A. GRCh37 (hg19) VCF-style: chr5-32712574-C-A.
Other names: c.692C>A, p.Thr231Lys (NM_000908.4); c.50-12230C>A (NM_001364458.2); c.121+1685C>A (NM_001363652.2, NM_001204376.2, NM_001364460.2); short protein forms T231K.
Identifiers: ClinVar variation 1440863 (VCV001440863.5), dbSNP rs1279843711, ClinGen allele CA359467767.
Genomic context (GRCh38, chr5:32,712,468, plus strand): 5'-GGAACTGCTACTTCACCCTCGAGGGGGTCCACGAGGTCTTCCAGGAGGAGGGTTTGCACA[C>A]GTCCATCTACAGTTTCGACGAGACCAAAGACTTGGATCTGGAAGACATCGTGCGCAATAT-3'
Protein context (NP_001191304.1, residues 221-241): HEVFQEEGLH[Thr231Lys]SIYSFDETKD

ClinVar aggregate classification (germline): Uncertain significance (1 of 4 stars; one submission).

gnomAD v4.1: 21 of 1,599,422 alleles (0.0013%); highest among the groups gnomAD compares: Non-Finnish European, 0.0018%; no homozygotes.

Submission:

Labcorp Genetics (formerly Invitae), Labcorp
Classification: Uncertain significance. Last evaluated: 2022-09-08. Review status: criteria provided, single submitter. Criteria: Invitae Variant Classification Sherloc (09022015). Collection method: clinical testing. Allele origin: germline.
Comment: This sequence change replaces threonine, which is neutral and polar, with lysine, which is basic and polar, at codon 231 of the NPR3 protein (p.Thr231Lys). This variant is not present in population databases (gnomAD no frequency). This variant has not been reported in the literature in individuals affected with NPR3-related conditions. ClinVar contains an entry for this variant (Variation ID: 1440863). Algorithms developed to predict the effect of missense changes on protein structure and function (SIFT, PolyPhen-2, Align-GVGD) all suggest that this variant is likely to be tolerated. In summary, the available evidence is currently insufficient to determine the role of this variant in disease. Therefore, it has been classified as a Variant of Uncertain Significance.